The following is an entry in ClinVar:

NM_005359.6(SMAD4):c.821C>T (p.Ala274Val)

Gene: SMAD4 (SMAD family member 4; plus strand). Cytogenetic location: 18q21.2.
Variant type: single nucleotide variant.
Coding change: c.821C>T on transcript NM_005359.6 (MANE Select); coding-DNA position 821, C replaced by T.
Protein change: p.Ala274Val; replaces alanine 274 with valine.
Molecular consequence: missense variant.
Genome position (GRCh38, 1-based): chr18:51,058,373, C>T. VCF-style: chr18-51058373-C-T. GRCh37 (hg19) VCF-style: chr18-48584743-C-T.
Other names: short protein forms A274V.
Identifiers: ClinVar variation 1496484 (VCV001496484.10), dbSNP rs2144428659, ClinGen allele CA402463386.

ClinVar aggregate classification (germline): Uncertain significance. Review status: criteria provided, multiple submitters, no conflicts (2 of 4 stars). 4 submissions from 4 submitters: Uncertain significance (4). Last evaluated 2025-12-24.

Conditions:
Juvenile polyposis syndrome (JPS). Identifiers: Orphanet 2929, MedGen C0345893, MONDO:0017380, OMIM 174900.
Familial thoracic aortic aneurysm and aortic dissection (TAAD). Also called: Thoracic aortic aneurysms and dissections. Identifiers: Orphanet 91387, MedGen C4707243, MONDO:0019625.
Hereditary cancer-predisposing syndrome. Also called: Neoplastic Syndromes, Hereditary; Tumor predisposition; Hereditary Cancer Syndrome; Hereditary neoplastic syndrome. Identifiers: Orphanet 140162, MedGen C0027672, MeSH D009386, MONDO:0015356.
Juvenile polyposis/hereditary hemorrhagic telangiectasia syndrome (JPHT). Also called: Juvenile Polyposis Syndrome / Hereditary Hemorrhagic Telangiectasia (JPS/HHT); JP/HHT SYNDROME; JUVENILE POLYPOSIS WITH HEREDITARY HEMORRHAGIC TELANGIECTASIA; POLYPOSIS, GENERALIZED JUVENILE, WITH PULMONARY ARTERIOVENOUS MALFORMATION; TELANGIECTASIA, HEREDITARY HEMORRHAGIC, WITH JUVENILE POLYPOSIS COLI. Identifiers: Orphanet 2929, MedGen C1832942, MONDO:0008278, OMIM 175050.

Allele frequency attached by ClinVar (database versions not stated): gnomAD exomes below 0.00001.
gnomAD v4.1: 2 of 1,614,138 alleles (0.00012%); highest among the groups gnomAD compares: Middle Eastern, 0.016%; no homozygotes.

Submissions (4):

Labcorp Genetics (formerly Invitae), Labcorp
Classification: Uncertain significance for Juvenile polyposis syndrome. Last evaluated: 2025-12-24. Review status: criteria provided, single submitter. Criteria: Invitae Variant Classification Sherloc (09022015). Collection method: clinical testing. Allele origin: germline.
Comment: This sequence change replaces alanine, which is neutral and non-polar, with valine, which is neutral and non-polar, at codon 274 of the SMAD4 protein (p.Ala274Val). This variant is not present in population databases (gnomAD no frequency). This variant has not been reported in the literature in individuals affected with SMAD4-related conditions. ClinVar contains an entry for this variant (Variation ID: 1496484). Invitae Evidence Modeling of protein sequence and biophysical properties (such as structural, functional, and spatial information, amino acid conservation, physicochemical variation, residue mobility, and thermodynamic stability) indicates that this missense variant is not expected to disrupt SMAD4 protein function with a negative predictive value of 95%. In summary, the available evidence is currently insufficient to determine the role of this variant in disease. Therefore, it has been classified as a Variant of Uncertain Significance.

Baylor Genetics
Classification: Uncertain significance for Juvenile polyposis/hereditary hemorrhagic telangiectasia syndrome. Last evaluated: 2023-10-19. Review status: criteria provided, single submitter. Criteria: ACMG Guidelines, 2015. Collection method: clinical testing. Allele origin: unknown.

GeneDx
Classification: Uncertain significance. Last evaluated: 2023-03-28. Review status: criteria provided, single submitter. Criteria: GeneDx Variant Classification Process June 2021. Collection method: clinical testing. Allele origin: germline. Affected: yes.
Comment: Not observed at significant frequency in large population cohorts (gnomAD); In silico analysis supports that this missense variant does not alter protein structure/function; Has not been previously published as pathogenic or benign to our knowledge; This variant is associated with the following publications: (PMID: 10636916)

Ambry Genetics
Classification: Uncertain significance for Hereditary cancer-predisposing syndrome; Familial thoracic aortic aneurysm and aortic dissection. Last evaluated: 2020-12-03. Review status: criteria provided, single submitter. Criteria: Ambry Variant Classification Scheme 2023. Collection method: clinical testing. Allele origin: germline.
Comment: The p.A274V variant (also known as c.821C>T), located in coding exon 6 of the SMAD4 gene, results from a C to T substitution at nucleotide position 821. The alanine at codon 274 is replaced by valine, an amino acid with similar properties. This amino acid position is well conserved in available vertebrate species. In addition, this alteration is predicted to be tolerated by in silico analysis. Since supporting evidence is limited at this time, the clinical significance of this alteration remains unclear.